The following is an entry in ClinVar:

NM_018685.5(ANLN):c.1396-3C>T

Gene: ANLN (anillin, actin binding protein; plus strand). Cytogenetic location: 7p14.2.
Variant type: single nucleotide variant.
Coding change: c.1396-3C>T on transcript NM_018685.5 (MANE Select); 3 bases into the intron before coding-DNA position 1396, C replaced by T.
Molecular consequence: intron variant.
Genome position (GRCh38, 1-based): chr7:36,415,755, C>T. VCF-style: chr7-36415755-C-T. GRCh37 (hg19) VCF-style: chr7-36455364-C-T.
Other names: c.1396-3C>T (NM_001284301.3, NM_001284302.3).
Identifiers: ClinVar variation 2725970 (VCV002725970.3), dbSNP rs772883083, ClinGen allele CA4219599.

ClinVar aggregate classification (germline): Uncertain significance (1 of 4 stars; one submission).

Allele frequency attached by ClinVar (database versions not stated): gnomAD 0.00002; ExAC 0.00002; gnomAD exomes 0.00001; TOPMed 0.00008.
gnomAD v4.1: 16 of 1,571,010 alleles (0.001%); highest among the groups gnomAD compares: Admixed American, 0.021%; no homozygotes.

Submission:

Labcorp Genetics (formerly Invitae), Labcorp
Classification: Uncertain significance. Last evaluated: 2025-11-03. Review status: criteria provided, single submitter. Criteria: Invitae Variant Classification Sherloc (09022015). Collection method: clinical testing. Allele origin: germline.
Comment: This sequence change falls in intron 7 of the ANLN gene. It does not directly change the encoded amino acid sequence of the ANLN protein. It affects a nucleotide within the consensus splice site. This variant is present in population databases (rs772883083, gnomAD 0.02%). This variant has not been reported in the literature in individuals affected with ANLN-related conditions. ClinVar contains an entry for this variant (Variation ID: 2725970). Variants that disrupt the consensus splice site are a relatively common cause of aberrant splicing (PMID: 17576681, 9536098). Algorithms developed to predict the effect of sequence changes on RNA splicing suggest that this variant is not likely to affect RNA splicing. In summary, the available evidence is currently insufficient to determine the role of this variant in disease. Therefore, it has been classified as a Variant of Uncertain Significance.

Literature cited by the submitters: PubMed 17576681; PubMed 9536098.